The following is an entry in ClinVar:

NM_003937.3(KYNU):c.563G>A (p.Arg188Gln)

Gene: KYNU (kynureninase; plus strand). Cytogenetic location: 2q22.2.
Variant type: single nucleotide variant.
Coding change: c.563G>A on transcript NM_003937.3 (MANE Select); coding-DNA position 563, G replaced by A.
Protein change: p.Arg188Gln; replaces arginine 188 with glutamine.
Molecular consequence: missense variant.
Genome position (GRCh38, 1-based): chr2:142,957,696, G>A. VCF-style: chr2-142957696-G-A. GRCh37 (hg19) VCF-style: chr2-143715265-G-A.
Other names: c.563G>A, p.Arg188Gln (NM_001032998.2, NM_001199241.2); c.563G>A (NM_003937.2); short protein forms R188Q.
Identifiers: ClinVar variation 160356 (VCV000160356.6), dbSNP rs2304705, ClinGen allele CA233344.

ClinVar aggregate classification (germline): Conflicting classifications of pathogenicity. Review status: criteria provided, conflicting classifications (1 of 4 stars). 4 submissions from 4 submitters: Uncertain significance (1); Benign (1). 2 of the submissions do not count toward it. Last evaluated 2025-05-19.

Conditions:
KYNU-related disorder. Also called: KYNU-related condition; KYNU-related disorders.
Vertebral, cardiac, renal, and limb defects syndrome 2. Also called: KYNURENINASE DEFICIENCY, COMPLETE; CONGENITAL NAD DEFICIENCY DISORDER 2. Identifiers: MedGen C4540014, MONDO:0060555, OMIM 617661.

Allele frequency attached by ClinVar (database versions not stated): gnomAD 0.00023 and 0.00033; TOPMed 0.00058; 1000 Genomes Project 30x 0.00078; 1000 Genomes Project 0.00080.

Submissions (4):

PreventionGenetics, part of Exact Sciences
Classification: Benign for KYNU-related condition. Last evaluated: 2025-05-19. Review status: criteria provided, single submitter. Criteria: ACMG Guidelines, 2015. Collection method: clinical testing. Allele origin: germline.
Comment: This variant is classified as benign based on ACMG/AMP sequence variant interpretation guidelines (Richards et al. 2015 PMID: 25741868, with internal and published modifications).

Blueprint Genetics
Classification: Uncertain significance. Last evaluated: 2024-01-22. Review status: criteria provided, single submitter. Criteria: ACMG Guidelines, 2015. Collection method: clinical testing. Allele origin: germline.

Zotz-Klimas Genetics Lab, MVZ Zotz Klimas
Classification: Uncertain significance for Vertebral, cardiac, renal, and limb defects syndrome 2. Last evaluated: 2023-10-30. Review status: no assertion criteria provided. Collection method: clinical testing. Allele origin: germline. Affected: yes. Not counted in ClinVar's aggregate classification.

OMIM
Classification: Uncertain significance for VARIANT OF UNKNOWN SIGNIFICANCE. Last evaluated: 2011-12-01. Review status: no assertion criteria provided. Collection method: literature only. Allele origin: germline. Not counted in ClinVar's aggregate classification.

Literature cited by the submitters: PubMed 22012986 (cited by OMIM); PubMed 11204305 (cited by OMIM).